The following is an entry in ClinVar:

ClinVar aggregate classification (germline): Likely pathogenic. Review status: criteria provided, multiple submitters, no conflicts (2 of 4 stars). 2 submissions from 2 submitters: Likely pathogenic (2). Last evaluated 2023-08-10.

Conditions:
Hereditary nonpolyposis colorectal neoplasms. Identifiers: MedGen C0009405, MeSH D003123.
Lynch syndrome 5 (LYNCH5). Also called: Hereditary non-polyposis colorectal cancer, type 5; Colorectal cancer, hereditary nonpolyposis, type 5. Identifiers: Orphanet 144, MedGen C1833477, MONDO:0013710, OMIM 614350. Disease mechanism: loss of function.

Submissions (2):

Myriad Genetics, Inc.
Classification: Likely pathogenic for Lynch syndrome 5. Last evaluated: 2023-08-10. Review status: criteria provided, single submitter. Criteria: Myriad Autosomal Dominant, Autosomal Recessive and X-Linked Classification Criteria (2023). Collection method: clinical testing. Allele origin: unknown.
Comment: This variant is considered likely pathogenic. This variant occurs within a consensus splice junction and is predicted to result in abnormal mRNA splicing of either an out-of-frame exon or an in-frame exon necessary for protein stability and/or normal function.

Labcorp Genetics (formerly Invitae), Labcorp
Classification: Likely pathogenic for Hereditary nonpolyposis colorectal neoplasms. Last evaluated: 2018-12-08. Review status: criteria provided, single submitter. Criteria: Invitae Variant Classification Sherloc (09022015). Collection method: clinical testing. Allele origin: germline.
Comment: In summary, the currently available evidence indicates that the variant is pathogenic, but additional data are needed to prove that conclusively. Therefore, this variant has been classified as Likely Pathogenic. Donor and acceptor splice site variants typically lead to a loss of protein function (PMID: 16199547), and loss-of-function variants in MSH6 are known to be pathogenic (PMID: 18269114, 24362816). Disruption of this splice site has been observed in combination with another MSH6 variant in an individual affected with constitutional mismatch repair deficiency syndrome (PMID: 17259933). This variant is not present in population databases (ExAC no frequency). This sequence change affects an acceptor splice site in intron 2 of the MSH6 gene. It is expected to disrupt RNA splicing and likely results in an absent or disrupted protein product.

Literature cited by the submitters: PubMed 16199547 (cited by Labcorp Genetics (formerly Invitae), Labcorp); PubMed 18269114 (cited by Labcorp Genetics (formerly Invitae), Labcorp); PubMed 24362816 (cited by Labcorp Genetics (formerly Invitae), Labcorp); PubMed 17259933 (cited by Labcorp Genetics (formerly Invitae), Labcorp).

NM_000179.3(MSH6):c.458-1G>T

Gene: MSH6 (mutS homolog 6; plus strand). Cytogenetic location: 2p16.3.
Variant type: single nucleotide variant.
Coding change: c.458-1G>T on transcript NM_000179.3 (MANE Select); the canonical splice acceptor site of the intron before coding-DNA position 458, G replaced by T.
Molecular consequence: splice acceptor variant. On other transcripts: 5 prime UTR variant (1), intron variant (8).
Genome position (GRCh38, 1-based): chr2:47,795,893, G>T. VCF-style: chr2-47795893-G-T. GRCh37 (hg19) VCF-style: chr2-48023032-G-T.
Other names: c.-69G>T (NM_001406807.1); c.458-1G>T (NM_001406809.1, NM_001406796.1, NM_001406808.1 and 5 more transcripts); c.-279-2718G>T (NM_001406811.1, NM_001281493.2, NM_001406812.1 and 4 more transcripts); c.161-1G>T (NM_001406805.1, NM_001406797.1, NM_001406801.1 and 10 more transcripts); c.554-1G>T (NM_001406795.1, NM_001406802.1); c.464-1G>T (NM_001406813.1); c.-537-1G>T (NM_001406814.1); c.-68-1G>T (NM_001406799.1, NM_001406806.1); and 4 more.
Identifiers: ClinVar variation 648638 (VCV000648638.8), dbSNP rs267608035, ClinGen allele CA346738554.